The following is an entry in ClinVar:

ClinVar aggregate classification (germline): Benign/Likely benign. Review status: criteria provided, multiple submitters, no conflicts (2 of 4 stars). 2 submissions from 2 submitters: Benign (1); Likely benign (1). Last evaluated 2024-10-31.

Conditions:
Hereditary diffuse gastric adenocarcinoma (HDGC). Also called: DIFFUSE GASTRIC AND LOBULAR BREAST CANCER SYNDROME. Identifiers: Orphanet 26106, MedGen C1708349, MONDO:0007648, OMIM 137215.

Submissions (2):

Labcorp Genetics (formerly Invitae), Labcorp
Classification: Likely benign for Hereditary diffuse gastric adenocarcinoma. Last evaluated: 2024-10-31. Review status: criteria provided, single submitter. Criteria: Invitae Variant Classification Sherloc (09022015). Collection method: clinical testing. Allele origin: germline.

Myriad Genetics, Inc.
Classification: Benign for Hereditary diffuse gastric adenocarcinoma. Last evaluated: 2024-09-13. Review status: criteria provided, single submitter. Criteria: Myriad Autosomal Dominant, Autosomal Recessive and X-Linked Classification Criteria (2023). Collection method: clinical testing. Allele origin: unknown.
Comment: This variant is considered benign. This variant is a silent/synonymous amino acid change and it is not expected to impact splicing.

NM_004360.5(CDH1):c.525G>C (p.Leu175=)

Gene: CDH1 (cadherin 1; plus strand). Cytogenetic location: 16q22.1.
Variant type: single nucleotide variant.
Coding change: c.525G>C on transcript NM_004360.5 (MANE Select); coding-DNA position 525, G replaced by C.
Protein change: p.Leu175=; no amino-acid change (leucine 175 retained).
Molecular consequence: synonymous variant. On other transcripts: 5 prime UTR variant (2).
Genome position (GRCh38, 1-based): chr16:68,808,561, G>C. VCF-style: chr16-68808561-G-C. GRCh37 (hg19) VCF-style: chr16-68842464-G-C.
Other names: c.525G>C, p.Leu175= (NM_001317184.2); c.-1091G>C (NM_001317185.2); c.-1295G>C (NM_001317186.2).
Identifiers: ClinVar variation 2157891 (VCV002157891.5), dbSNP rs1567504645, ClinGen allele CA496392265.